The following is an entry in ClinVar:

ClinVar aggregate classification (germline): Uncertain significance. Review status: criteria provided, multiple submitters, no conflicts (2 of 4 stars). 2 submissions from 2 submitters: Uncertain significance (2). Last evaluated 2025-03-18.

Conditions:
Autosomal dominant Alport syndrome (ATS3A). Also called: Alport syndrome dominant type; Renal failure and sensorineural hearing loss; ALPORT SYNDROME 3A, AUTOSOMAL DOMINANT. Identifiers: Orphanet 63, Orphanet 88918, MedGen C5882663, MONDO:0007086, OMIM 104200.

gnomAD v4.1: 21 of 1,611,508 alleles (0.0013%); highest among the groups gnomAD compares: Non-Finnish European, 0.0018%; no homozygotes.

Submissions (2):

Labcorp Genetics (formerly Invitae), Labcorp
Classification: Uncertain significance. Last evaluated: 2025-03-18. Review status: criteria provided, single submitter. Criteria: Invitae Variant Classification Sherloc (09022015). Collection method: clinical testing. Allele origin: germline.
Comment: This sequence change replaces threonine, which is neutral and polar, with alanine, which is neutral and non-polar, at codon 1070 of the COL4A3 protein (p.Thr1070Ala). This variant is present in population databases (rs766003244, gnomAD 0.002%). This variant has not been reported in the literature in individuals affected with COL4A3-related conditions. ClinVar contains an entry for this variant (Variation ID: 3256629). Experimental studies and prediction algorithms are not available or were not evaluated, and the functional significance of this variant is currently unknown. Algorithms developed to predict the effect of sequence changes on RNA splicing suggest that this variant may disrupt the consensus splice site. In summary, the available evidence is currently insufficient to determine the role of this variant in disease. Therefore, it has been classified as a Variant of Uncertain Significance.

MVZ Medizinische Genetik Mainz
Classification: Uncertain significance for Autosomal dominant Alport syndrome. Last evaluated: 2024-04-26. Review status: criteria provided, single submitter. Criteria: UK Practice Guidelines For Variant Classification V4 01 2020. Collection method: clinical testing. Allele origin: germline. Inheritance: Autosomal dominant inheritance. Affected: yes. Observed: 1 variant allele.
Comment: ACMG Criteria: PM2_SUP,PP3

NM_000091.5(COL4A3):c.3208A>G (p.Thr1070Ala)

Genes: COL4A3 (collagen type IV alpha 3 chain; plus strand), MFF-DT (MFF divergent transcript; minus strand). Cytogenetic location: 2q36.3.
Variant type: single nucleotide variant.
Coding change: c.3208A>G on transcript NM_000091.5 (MANE Select); coding-DNA position 3208, A replaced by G.
Protein change: p.Thr1070Ala; replaces threonine 1070 with alanine.
Molecular consequence: missense variant.
Genome position (GRCh38, 1-based): chr2:227,290,884, A>G. VCF-style: chr2-227290884-A-G. GRCh37 (hg19) VCF-style: chr2-228155600-A-G.
Other names: short protein forms T1070A.
Identifiers: ClinVar variation 3256629 (VCV003256629.2).
Genomic context (GRCh38, chr2:227,290,884, plus strand): 5'-CAGGGAGATAAGGGAGAGCCAGGTTATTCAGAAGGTACAAGGCCAGGACCACCGGGACCA[A>G]CGGTATATAGGCCACTGAAATATTTACATTTTAGTGGTGGAGTGAGTGCCTTGAAAAATA-3'
Protein context (NP_000082.2, residues 1060-1080): EGTRPGPPGP[Thr1070Ala]GDPGLPGDMG